The following is an entry in ClinVar:

NM_001358351.3(SEMA6D):c.810G>A (p.Leu270=)

Gene: SEMA6D (semaphorin 6D; plus strand). Cytogenetic location: 15q21.1.
Variant type: single nucleotide variant.
Coding change: c.810G>A on transcript NM_001358351.3 (MANE Select); coding-DNA position 810, G replaced by A.
Protein change: p.Leu270=; no amino-acid change (leucine 270 retained).
Molecular consequence: synonymous variant.
Genome position (GRCh38, 1-based): chr15:47,763,912, G>A. VCF-style: chr15-47763912-G-A. GRCh37 (hg19) VCF-style: chr15-48056109-G-A.
Other names: c.810G>A, p.Leu270= (NM_001198999.2, NM_001358352.2, NM_020858.2 and 5 more transcripts).
Identifiers: ClinVar variation 3352568 (VCV003352568.1).

ClinVar aggregate classification (germline): Likely benign (0 of 4 stars; one submission).

Conditions:
SEMA6D-related disorder. Also called: SEMA6D-related condition.

gnomAD v4.1: 8 of 1,613,814 alleles (0.0005%); highest among the groups gnomAD compares: Middle Eastern, 0.083%; 1 homozygote.

Submission:

PreventionGenetics, part of Exact Sciences
Classification: Likely benign for SEMA6D-related condition. Last evaluated: 2019-05-13. Review status: no assertion criteria provided. Collection method: clinical testing. Allele origin: germline.
Comment: This variant is classified as likely benign based on ACMG/AMP sequence variant interpretation guidelines (Richards et al. 2015 PMID: 25741868, with internal and published modifications).